The following is an entry in ClinVar:

ClinVar aggregate classification (germline): Uncertain significance (1 of 4 stars; one submission).

Conditions:
Multiple endocrine neoplasia, type 2 (MEN2). Identifiers: Orphanet 653, MedGen C4048306, MONDO:0019003. Disease mechanism: gain of function.

Submission:

Labcorp Genetics (formerly Invitae), Labcorp
Classification: Uncertain significance for Multiple endocrine neoplasia, type 2. Last evaluated: 2025-05-25. Review status: criteria provided, single submitter. Criteria: Invitae Variant Classification Sherloc (09022015). Collection method: clinical testing. Allele origin: germline.
Comment: This sequence change replaces alanine, which is neutral and non-polar, with serine, which is neutral and polar, at codon 46 of the RET protein (p.Ala46Ser). Information on the frequency of this variant in the gnomAD database is not available, as this variant may be reported differently in the database. This variant has not been reported in the literature in individuals affected with RET-related conditions. ClinVar contains an entry for this variant (Variation ID: 1975405). Experimental studies and prediction algorithms are not available or were not evaluated, and the functional significance of this variant is currently unknown. In summary, the available evidence is currently insufficient to determine the role of this variant in disease. Therefore, it has been classified as a Variant of Uncertain Significance.

NM_020975.6(RET):c.135_136delinsGT (p.Ala46Ser)

Gene: RET (ret proto-oncogene; plus strand). Cytogenetic location: 10q11.21.
Variant type: Indel.
Coding change: c.135_136delinsGT on transcript NM_020975.6 (MANE Select); coding-DNA positions 135 to 136, AG replaced by GT.
Protein change: p.Ala46Ser; replaces alanine 46 with serine.
Molecular consequence: missense variant.
Genome position (GRCh38, 1-based): chr10:43,100,520-43,100,521, AG replaced by GT. VCF-style: chr10-43100520-AG-GT. GRCh37 (hg19) VCF-style: chr10-43595968-AG-GT.
Other names: c.135_136delAGinsGT, p.Ala46Ser (NM_000323.2, NM_001406743.1, NM_001406744.1 and 34 more transcripts); short protein forms A46S.
Identifiers: ClinVar variation 1975405 (VCV001975405.5), dbSNP rs2492113109, ClinGen allele CA2580081468.
Genomic context (GRCh38, chr10:43,100,520, plus strand): 5'-GGCATTGGGCCTCTACTTCTCGAGGGATGCTTACTGGGAGAAGCTGTATGTGGACCAGGC[AG>GT]CCGGCACGCCCTTGCTGTACGTCCATGCCCTGCGGGACGCCCCTGAGGAGGTGCCCAGCT-3'
Protein context (NP_066124.1, residues 36-56): YWEKLYVDQA[Ala46Ser]GTPLLYVHAL